The following is an entry in ClinVar:

NM_138694.4(PKHD1):c.10978A>T (p.Lys3660Ter)

Gene: PKHD1 (PKHD1 ciliary IPT domain containing fibrocystin/polyductin; minus strand). Cytogenetic location: 6p12.3.
Variant type: single nucleotide variant.
Coding change: c.10978A>T on transcript NM_138694.4 (MANE Select); coding-DNA position 10978, A replaced by T.
Protein change: p.Lys3660Ter; replaces lysine 3660 with a stop codon.
Molecular consequence: nonsense.
Genome position (GRCh38, 1-based): chr6:51,659,148, T>A on the plus strand (A>T on the coding strand, the complement: PKHD1 is on the minus strand). VCF-style: chr6-51659148-T-A. GRCh37 (hg19) VCF-style: chr6-51523946-T-A.
Other names: short protein forms K3660*.
Identifiers: ClinVar variation 1726848 (VCV001726848.2), dbSNP rs2533434126, ClinGen allele CA364430811.
Genomic context (GRCh38, chr6:51,659,148, plus strand): 5'-ATGAAATCATTCCAGTGCTCCTTACTGTTGGCGAATCACCAATTTCAATGACAATCACTT[T>A]TGAGATAGTTTCCACAGTCATTGGGGGTGAAGCCCTATGTGAGTTCATTTCCATCATGAG-3'

ClinVar aggregate classification (germline): Likely pathogenic (1 of 4 stars; one submission).

Conditions:
Polycystic kidney disease 4 (PKD4). Also called: POLYCYSTIC KIDNEY AND HEPATIC DISEASE 1; POLYCYSTIC KIDNEY DISEASE, INFANTILE, TYPE I; POLYCYSTIC KIDNEY DISEASE 4 WITH OR WITHOUT POLYCYSTIC LIVER DISEASE; PKD3; Autosomal Recessive Polycystic Kidney Disease – PKHD1. Identifiers: MedGen C4540575, MONDO:0033004, OMIM 263200.

Submission:

Myriad Genetics, Inc.
Classification: Likely pathogenic for Polycystic kidney disease 4. Last evaluated: 2022-03-31. Review status: criteria provided, single submitter. Criteria: Myriad Women's Health Autosomal Recessive and X-Linked Classification Criteria (2021). Collection method: clinical testing. Allele origin: unknown.
Comment: NM_138694.3(PKHD1):c.10978A>T(K3660*) is expected to be pathogenic in the context of autosomal recessive polycystic kidney disease, PKHD1-related. This variant is predicted to lead to an abnormal or absent protein product due to the creation of a premature termination codon in PKHD1, a gene where loss-of-function variants are known to be pathogenic. Please note: this variant was assessed in the context of healthy population screening.